The following is an entry in ClinVar:

ClinVar aggregate classification (germline): Pathogenic/Likely pathogenic. Review status: criteria provided, multiple submitters, no conflicts (2 of 4 stars). 4 submissions from 4 submitters: Pathogenic (3); Likely pathogenic (1). Last evaluated 2025-11-06.

Conditions:
Primary hyperoxaluria, type II (HP2). Also called: OXALOSIS II; Primary hyperoxaluria type 2; D-GLYCERATE DEHYDROGENASE DEFICIENCY; GLYCERIC ACIDURIA; GLYOXYLATE REDUCTASE/HYDROXYPYRUVATE REDUCTASE DEFICIENCY. Identifiers: Orphanet 416, Orphanet 93599, MedGen C0268165, MONDO:0009824, OMIM 260000. Disease mechanism: loss of function.

Allele frequency attached by ClinVar (database versions not stated): ExAC 0.00004; TOPMed 0.00006; gnomAD 0.00007; ESP Exome Variant Server 0.00015.
gnomAD v4.1: 12 of 1,613,754 alleles (0.00074%); highest among the groups gnomAD compares: African/African-American, 0.016%; no homozygotes.

Submissions (4):

Natera, Inc.
Classification: Likely pathogenic for Primary hyperoxaluria type II. Last evaluated: 2025-11-06. Review status: criteria provided, single submitter. Criteria: Natera Variant Classification Schema (03/2026). Collection method: clinical testing. Allele origin: germline.
Comment: The c.626C>T variant in GRHPR is a missense variant predicted to cause substitution of serine to phenylalanine at amino acid 209. This variant is rare in the general population with a frequency below the threshold expected for the associated phenotype(s). This variant has been observed in one or more individuals affected with the associated recessive disease, as either homozygous or compound heterozygous with a second variant (PMID: 25644115). Computational prediction algorithms indicate this variant is likely to affect gene or protein function. Given the available evidence, this variant is classified as Likely Pathogenic.

Baylor Genetics
Classification: Pathogenic for Primary hyperoxaluria, type II. Last evaluated: 2024-03-25. Review status: criteria provided, single submitter. Criteria: ACMG Guidelines, 2015. Collection method: clinical testing. Allele origin: unknown.

Labcorp Genetics (formerly Invitae), Labcorp
Classification: Pathogenic. Last evaluated: 2024-03-05. Review status: criteria provided, single submitter. Criteria: Invitae Variant Classification Sherloc (09022015). Collection method: clinical testing. Allele origin: germline.
Comment: This sequence change replaces serine, which is neutral and polar, with phenylalanine, which is neutral and non-polar, at codon 209 of the GRHPR protein (p.Ser209Phe). This variant is present in population databases (rs375014308, gnomAD 0.02%). This missense change has been observed in individuals with primary hyperoxaluria (PMID: 25644115, 29319775, 31685312). ClinVar contains an entry for this variant (Variation ID: 2067052). Advanced modeling of protein sequence and biophysical properties (such as structural, functional, and spatial information, amino acid conservation, physicochemical variation, residue mobility, and thermodynamic stability) has been performed at Invitae for this missense variant, however the output from this modeling did not meet the statistical confidence thresholds required to predict the impact of this variant on GRHPR protein function. For these reasons, this variant has been classified as Pathogenic.

Rare Kidney Stone Consortium and the Mayo Clinic Hyperoxaluria Center, Mayo Clinic
Classification: Pathogenic for Primary hyperoxaluria, type II. Last evaluated: 2023-10-27. Review status: criteria provided, single submitter. Criteria: ACMG Guidelines, 2015. Collection method: clinical testing. Allele origin: germline. Affected: yes.
Comment: ACMG:PM1 PM2 PM3 PP3 PP4

Literature cited by the submitters: PubMed 25644115 (cited by 3 submitters); PubMed 29319775 (cited by Labcorp Genetics (formerly Invitae), Labcorp and Rare Kidney Stone Consortium and the Mayo Clinic Hyperoxaluria Center, Mayo Clinic); PubMed 31685312 (cited by Labcorp Genetics (formerly Invitae), Labcorp).

NM_012203.2(GRHPR):c.626C>T (p.Ser209Phe)

Gene: GRHPR (glyoxylate and hydroxypyruvate reductase; plus strand). Cytogenetic location: 9p13.2.
Variant type: single nucleotide variant.
Coding change: c.626C>T on transcript NM_012203.2 (MANE Select); coding-DNA position 626, C replaced by T.
Protein change: p.Ser209Phe; replaces serine 209 with phenylalanine.
Molecular consequence: missense variant.
Genome position (GRCh38, 1-based): chr9:37,430,538, C>T. VCF-style: chr9-37430538-C-T. GRCh37 (hg19) VCF-style: chr9-37430535-C-T.
Other names: c.626C>T (NM_012203.1); short protein forms S209F.
Identifiers: ClinVar variation 2067052 (VCV002067052.8), dbSNP rs375014308, ClinGen allele CA5059162.
Genomic context (GRCh38, chr9:37,430,538, plus strand): 5'-CTCAGTGCCTGATGGAGTCCTGCCCTCCCTCAGTGTCTACCCCTGAGCTGGCTGCCCAAT[C>T]TGATTTCATCGTCGTGGCCTGCTCCTTAACACCTGCAACCGAGGGACTCTGCAACAAGGA-3'
Protein context (NP_036335.1, residues 199-219): FVSTPELAAQ[Ser209Phe]DFIVVACSLT